The following is an entry in ClinVar:

ClinVar aggregate classification (germline): Conflicting classifications of pathogenicity. Review status: criteria provided, conflicting classifications (1 of 4 stars). 2 submissions from 2 submitters: Uncertain significance (1); Likely benign (1). Last evaluated 2024-09-11.

Allele frequency attached by ClinVar (database versions not stated): gnomAD 0.00001; gnomAD exomes 0.00001 and 0.00002; ExAC 0.00002; TOPMed 0.00002.
gnomAD v4.1: 22 of 1,613,760 alleles (0.0014%); highest among the groups gnomAD compares: Non-Finnish European, 0.0017%; no homozygotes.

Submissions (2):

Blueprint Genetics
Classification: Likely benign. Last evaluated: 2024-09-11. Review status: criteria provided, single submitter. Criteria: ACMG Guidelines, 2015. Collection method: clinical testing. Allele origin: germline.

Labcorp Genetics (formerly Invitae), Labcorp
Classification: Uncertain significance. Last evaluated: 2022-07-25. Review status: criteria provided, single submitter. Criteria: Invitae Variant Classification Sherloc (09022015). Collection method: clinical testing. Allele origin: germline.
Comment: This sequence change replaces asparagine, which is neutral and polar, with serine, which is neutral and polar, at codon 117 of the LRP2 protein (p.Asn117Ser). This variant is present in population databases (rs746620514, gnomAD 0.003%). This variant has not been reported in the literature in individuals affected with LRP2-related conditions. ClinVar contains an entry for this variant (Variation ID: 1404060). Advanced modeling of protein sequence and biophysical properties (such as structural, functional, and spatial information, amino acid conservation, physicochemical variation, residue mobility, and thermodynamic stability) performed at Invitae indicates that this missense variant is not expected to disrupt LRP2 protein function. In summary, the available evidence is currently insufficient to determine the role of this variant in disease. Therefore, it has been classified as a Variant of Uncertain Significance.

NM_004525.3(LRP2):c.350A>G (p.Asn117Ser)

Gene: LRP2 (LDL receptor related protein 2; minus strand). Cytogenetic location: 2q31.1.
Variant type: single nucleotide variant.
Coding change: c.350A>G on transcript NM_004525.3 (MANE Select); coding-DNA position 350, A replaced by G.
Protein change: p.Asn117Ser; replaces asparagine 117 with serine.
Molecular consequence: missense variant.
Genome position (GRCh38, 1-based): chr2:169,307,358, T>C on the plus strand (A>G on the coding strand, the complement: LRP2 is on the minus strand). VCF-style: chr2-169307358-T-C. GRCh37 (hg19) VCF-style: chr2-170163868-T-C.
Other names: short protein forms N117S.
Identifiers: ClinVar variation 1404060 (VCV001404060.6), dbSNP rs746620514, ClinGen allele CA1955906.